The following is an entry in ClinVar:

ClinVar aggregate classification (germline): Pathogenic (1 of 4 stars; one submission).

Conditions:
Charcot-Marie-Tooth disease type 4. Also called: Charcot-Marie-Tooth disease, type IV; Charcot-Marie-Tooth, Type 4. Identifiers: Orphanet 64749, MedGen C4082197, MONDO:0018995.

Allele frequency attached by ClinVar (database versions not stated): gnomAD exomes below 0.00001; TOPMed below 0.00001.
gnomAD v4.1: 1 of 1,586,554 alleles (0.000063%); highest among the groups gnomAD compares: African/African-American, 0.0013%; no homozygotes.

Submission:

Labcorp Genetics (formerly Invitae), Labcorp
Classification: Pathogenic for Charcot-Marie-Tooth disease type 4. Last evaluated: 2023-08-31. Review status: criteria provided, single submitter. Criteria: Invitae Variant Classification Sherloc (09022015). Collection method: clinical testing. Allele origin: germline.
Comment: For these reasons, this variant has been classified as Pathogenic. This variant has not been reported in the literature in individuals affected with SBF2-related conditions. This variant is present in population databases (no rsID available, gnomAD 0.007%). This sequence change creates a premature translational stop signal (p.Gln320*) in the SBF2 gene. It is expected to result in an absent or disrupted protein product. Loss-of-function variants in SBF2 are known to be pathogenic (PMID: 12687498, 25873783).

Literature cited by the submitters: PubMed 12687498; PubMed 25873783.

NM_030962.4(SBF2):c.958C>T (p.Gln320Ter)

Gene: SBF2 (SET binding factor 2; minus strand). Cytogenetic location: 11p15.4.
Variant type: single nucleotide variant.
Coding change: c.958C>T on transcript NM_030962.4 (MANE Select); coding-DNA position 958, C replaced by T.
Protein change: p.Gln320Ter; replaces glutamine 320 with a stop codon.
Molecular consequence: nonsense.
Genome position (GRCh38, 1-based): chr11:9,998,283, G>A on the plus strand (C>T on the coding strand, the complement: SBF2 is on the minus strand). VCF-style: chr11-9998283-G-A. GRCh37 (hg19) VCF-style: chr11-10019830-G-A.
Other names: c.958C>T, p.Gln320Ter (NM_001386339.1, NM_001386342.1); c.994C>T, p.Gln332Ter (NM_001424318.1, NM_001425069.1, NM_001425070.1); short protein forms Q320*, Q332*.
Identifiers: ClinVar variation 2740044 (VCV002740044.3), dbSNP rs1381069212, ClinGen allele CA379639551.
Genomic context (GRCh38, chr11:9,998,283, plus strand): 5'-ATTTAAATAAAGAGAAAGTTACTATTACAAAAATATGTCATACCAAAGAAAGAGCTGATT[G>A]AGTCTGATGTAGAAGTGGTTCTGGGAGGGAAGAGAGGTGAATACATTCGGGAATTTTAAT-3'